The following is an entry in ClinVar:

ClinVar aggregate classification (germline): Uncertain significance. Review status: criteria provided, multiple submitters, no conflicts (2 of 4 stars). 3 submissions from 3 submitters: Uncertain significance (3). Last evaluated 2025-02-25.

Conditions:
Inborn genetic diseases. Identifiers: MedGen C0950123, MeSH D030342.
Schwartz-Jampel syndrome. Also called: Myotonic myopathy dwarfism chondrodystrophy and ocular and facial abnormalities. Identifiers: Orphanet 800, MedGen C0036391, MONDO:0009717.

Allele frequency attached by ClinVar (database versions not stated): gnomAD 0.00001; TOPMed 0.00002.
gnomAD v4.1: 61 of 1,613,966 alleles (0.0038%); highest among the groups gnomAD compares: Middle Eastern, 0.016%; no homozygotes.

Submissions (3):

Ambry Genetics
Classification: Uncertain significance for Inborn genetic diseases. Last evaluated: 2025-02-25. Review status: criteria provided, single submitter. Criteria: Ambry Variant Classification Scheme 2023. Collection method: clinical testing. Allele origin: germline.

Labcorp Genetics (formerly Invitae), Labcorp
Classification: Uncertain significance. Last evaluated: 2022-05-28. Review status: criteria provided, single submitter. Criteria: Invitae Variant Classification Sherloc (09022015). Collection method: clinical testing. Allele origin: germline.
Comment: This variant has not been reported in the literature in individuals affected with HSPG2-related conditions. In summary, the available evidence is currently insufficient to determine the role of this variant in disease. Therefore, it has been classified as a Variant of Uncertain Significance. Algorithms developed to predict the effect of sequence changes on RNA splicing suggest that this variant may create or strengthen a splice site. Algorithms developed to predict the effect of missense changes on protein structure and function are either unavailable or do not agree on the potential impact of this missense change (SIFT: "Tolerated"; PolyPhen-2: "Probably Damaging"; Align-GVGD: "Class C0"). ClinVar contains an entry for this variant (Variation ID: 915382). This variant is present in population databases (rs558798136, gnomAD 0.03%). This sequence change replaces arginine, which is basic and polar, with glutamine, which is neutral and polar, at codon 397 of the HSPG2 protein (p.Arg397Gln).

Genomic Research Center, Shahid Beheshti University of Medical Sciences
Classification: Uncertain significance for Schwartz-Jampel syndrome type 1. Last evaluated: 2020-05-03. Review status: criteria provided, single submitter. Criteria: ACMG Guidelines, 2015. Collection method: clinical testing. Allele origin: unknown. Affected: yes.

NM_005529.7(HSPG2):c.1190G>A (p.Arg397Gln)

Gene: HSPG2 (heparan sulfate proteoglycan 2; minus strand). Cytogenetic location: 1p36.12.
Variant type: single nucleotide variant.
Coding change: c.1190G>A on transcript NM_005529.7 (MANE Select); coding-DNA position 1190, G replaced by A.
Protein change: p.Arg397Gln; replaces arginine 397 with glutamine.
Molecular consequence: missense variant.
Genome position (GRCh38, 1-based): chr1:21,885,340, C>T on the plus strand (G>A on the coding strand, the complement: HSPG2 is on the minus strand). VCF-style: chr1-21885340-C-T. GRCh37 (hg19) VCF-style: chr1-22211833-C-T.
Other names: c.1190G>A, p.Arg397Gln (NM_001291860.2); c.1190G>A (NM_005529.5); short protein forms R397Q.
Identifiers: ClinVar variation 915382 (VCV000915382.8), dbSNP rs558798136, ClinGen allele CA673544.